The following is an entry in ClinVar:

NM_024422.6(DSC2):c.1940T>C (p.Val647Ala)

Gene: DSC2 (desmocollin 2; minus strand). Cytogenetic location: 18q12.1.
Variant type: single nucleotide variant.
Coding change: c.1940T>C on transcript NM_024422.6 (MANE Select); coding-DNA position 1940, T replaced by C.
Protein change: p.Val647Ala; replaces valine 647 with alanine.
Molecular consequence: missense variant.
Genome position (GRCh38, 1-based): chr18:31,071,790, A>G on the plus strand (T>C on the coding strand, the complement: DSC2 is on the minus strand). VCF-style: chr18-31071790-A-G. GRCh37 (hg19) VCF-style: chr18-28651756-A-G.
Other names: c.1940T>C, p.Val647Ala (NM_004949.5); short protein forms V647A.
Identifiers: ClinVar variation 1036596 (VCV001036596.7), dbSNP rs1986843978, ClinGen allele CA402113333.

ClinVar aggregate classification (germline): Uncertain significance (1 of 4 stars; one submission).

Conditions:
Arrhythmogenic right ventricular dysplasia 11. Also called: Arrhythmogenic Right Ventricular Dysplasia/Cardiomyopathy11; ARRHYTHMOGENIC RIGHT VENTRICULAR DYSPLASIA, FAMILIAL, 11; Arrhythmogenic right ventricular dysplasia 11 with mild palmoplantar keratoderma and woolly hair. Identifiers: MedGen C1864850, MONDO:0012506, OMIM 610476.

Submission:

Labcorp Genetics (formerly Invitae), Labcorp
Classification: Uncertain significance for Arrhythmogenic right ventricular dysplasia 11. Last evaluated: 2025-09-02. Review status: criteria provided, single submitter. Criteria: Invitae Variant Classification Sherloc (09022015). Collection method: clinical testing. Allele origin: germline.
Comment: This sequence change replaces valine, which is neutral and non-polar, with alanine, which is neutral and non-polar, at codon 647 of the DSC2 protein (p.Val647Ala). This variant is not present in population databases (gnomAD no frequency). This variant has not been reported in the literature in individuals affected with DSC2-related conditions. ClinVar contains an entry for this variant (Variation ID: 1036596). Invitae Evidence Modeling of protein sequence and biophysical properties (such as structural, functional, and spatial information, amino acid conservation, physicochemical variation, residue mobility, and thermodynamic stability) indicates that this missense variant is not expected to disrupt DSC2 protein function with a negative predictive value of 80%. In summary, the available evidence is currently insufficient to determine the role of this variant in disease. Therefore, it has been classified as a Variant of Uncertain Significance.